The following is an entry in ClinVar:

ClinVar aggregate classification (germline): Pathogenic. Review status: criteria provided, multiple submitters, no conflicts (2 of 4 stars). 3 submissions from 3 submitters: Pathogenic (3). Last evaluated 2019-03-13.

Conditions:
Inborn genetic diseases. Identifiers: MedGen C0950123, MeSH D030342.
Developmental and epileptic encephalopathy, 2 (DEE2). Also called: CDKL5 deficiency disorder; INFANTILE SPASM SYNDROME, X-LINKED 2. Identifiers: Orphanet 1934, Orphanet 3451, Orphanet 505652, MedGen C4750718, MONDO:0010396, OMIM 300672.

Submissions (3):

Institute of Human Genetics, University of Leipzig Medical Center
Classification: Pathogenic for Developmental and epileptic encephalopathy, 2. Last evaluated: 2019-03-13. Review status: criteria provided, single submitter. Criteria: ACMG Guidelines, 2015. Collection method: clinical testing. Allele origin: de novo. Affected: yes. Observed: 1 variant allele.
Comment: This variant was identified as de novo (maternity and paternity confirmed).

Ambry Genetics
Classification: Pathogenic for Inborn genetic diseases. Last evaluated: 2018-07-24. Review status: criteria provided, single submitter. Criteria: Ambry exome assertion method (8-5-2015). Collection method: clinical testing. Allele origin: germline. Affected: yes. Observed: 1 variant allele.

Clinical Genetics and Genomics, Karolinska University Hospital
Classification: Pathogenic. Last evaluated: 2016-06-30. Review status: criteria provided, single submitter. Criteria: ACMG Guidelines, 2015. Collection method: clinical testing. Allele origin: germline. Affected: yes. Observed: 1 variant allele.

NM_001323289.2(CDKL5):c.1813C>T (p.Gln605Ter)

Gene: CDKL5 (cyclin dependent kinase like 5; plus strand). Cytogenetic location: Xp22.13.
Variant type: single nucleotide variant.
Coding change: c.1813C>T on transcript NM_001323289.2 (MANE Select); coding-DNA position 1813, C replaced by T.
Protein change: p.Gln605Ter; replaces glutamine 605 with a stop codon.
Molecular consequence: nonsense.
Genome position (GRCh38, 1-based): chrX:18,604,737, C>T. VCF-style: chrX-18604737-C-T. GRCh37 (hg19) VCF-style: chrX-18622857-C-T.
Other names: c.1813C>T, p.Gln605Ter (NM_001037343.2, NM_003159.3); short protein forms Q605*.
Identifiers: ClinVar variation 976039 (VCV000976039.5), dbSNP rs1926301954, ClinGen allele CA412362914.
Genomic context (GRCh38, chrX:18,604,737, plus strand): 5'-CTGTCTGCACCTCACGAATCTTTTTCTTATGGACTGGGCTACACCAGCCCCTTTTCTTCC[C>T]AGCAACGTCCTCATAGGCATTCTATGTATGTGACCCGTGACAAAGTGAGAGCCAAGGGCT-3'